The following is an entry in ClinVar:

ClinVar aggregate classification (germline): Uncertain significance. Review status: criteria provided, multiple submitters, no conflicts (2 of 4 stars). 2 submissions from 2 submitters: Uncertain significance (2). Last evaluated 2026-07-29.

Conditions:
PKHD1-related disorder. Also called: PKHD1-related condition.

Allele frequency attached by ClinVar (database versions not stated): gnomAD 0.00002; gnomAD exomes 0.00002; TOPMed 0.00002; ExAC 0.00003.
gnomAD v4.1: 31 of 1,613,532 alleles (0.0019%); highest among the groups gnomAD compares: South Asian, 0.011%; no homozygotes.

Submissions (2):

PreventionGenetics, part of Exact Sciences
Classification: Uncertain significance for PKHD1-related condition. Last evaluated: 2026-07-29. Review status: criteria provided, single submitter. Criteria: ACMG Guidelines, 2015. Collection method: clinical testing. Allele origin: germline.
Comment: The PKHD1 c.10591A>G variant is predicted to result in the amino acid substitution p.Ile3531Val. To our knowledge, this variant has not been reported in the literature. This variant is reported in 0.0065% of alleles in individuals of South Asian descent in gnomAD. At this time, the clinical significance of this variant is uncertain due to the absence of conclusive functional and genetic evidence.

Eurofins Ntd Llc (ga)
Classification: Uncertain significance. Last evaluated: 2018-02-15. Review status: criteria provided, single submitter. Criteria: EGL ClinVar v180209 classification definitions. Collection method: clinical testing. Allele origin: germline. Observed: 2 variant alleles, 2 heterozygotes.

NM_138694.4(PKHD1):c.10591A>G (p.Ile3531Val)

Gene: PKHD1 (PKHD1 ciliary IPT domain containing fibrocystin/polyductin; minus strand). Cytogenetic location: 6p12.3.
Variant type: single nucleotide variant.
Coding change: c.10591A>G on transcript NM_138694.4 (MANE Select); coding-DNA position 10591, A replaced by G.
Protein change: p.Ile3531Val; replaces isoleucine 3531 with valine.
Molecular consequence: missense variant.
Genome position (GRCh38, 1-based): chr6:51,659,535, T>C on the plus strand (A>G on the coding strand, the complement: PKHD1 is on the minus strand). VCF-style: chr6-51659535-T-C. GRCh37 (hg19) VCF-style: chr6-51524333-T-C.
Other names: c.10591A>G (NM_138694.3); short protein forms I3531V.
Identifiers: ClinVar variation 596175 (VCV000596175.6), dbSNP rs374488342, ClinGen allele CA3851050.